The following is an entry in ClinVar:

ClinVar aggregate classification (germline): Uncertain significance (1 of 4 stars; one submission).

Conditions:
RASopathy. Also called: Noonan spectrum disorder; rasopathies. Identifiers: Orphanet 536391, MedGen C5555857, MONDO:0021060.

gnomAD v4.1: 1 of 1,613,588 alleles (0.000062%); highest among the groups gnomAD compares: South Asian, 0.0011%; no homozygotes.

Submission:

Labcorp Genetics (formerly Invitae), Labcorp
Classification: Uncertain significance for RASopathy. Last evaluated: 2025-08-06. Review status: criteria provided, single submitter. Criteria: Invitae Variant Classification Sherloc (09022015). Collection method: clinical testing. Allele origin: germline.
Comment: This sequence change replaces methionine, which is neutral and non-polar, with isoleucine, which is neutral and non-polar, at codon 404 of the SHOC2 protein (p.Met404Ile). This variant is not present in population databases (gnomAD no frequency). This variant has not been reported in the literature in individuals affected with SHOC2-related conditions. Invitae Evidence Modeling of protein sequence and biophysical properties (such as structural, functional, and spatial information, amino acid conservation, physicochemical variation, residue mobility, and thermodynamic stability) indicates that this missense variant is not expected to disrupt SHOC2 protein function with a negative predictive value of 80%. In summary, the available evidence is currently insufficient to determine the role of this variant in disease. Therefore, it has been classified as a Variant of Uncertain Significance.

NM_007373.4(SHOC2):c.1212G>A (p.Met404Ile)

Gene: SHOC2 (SHOC2 leucine rich repeat scaffold protein; plus strand). Cytogenetic location: 10q25.2.
Variant type: single nucleotide variant.
Coding change: c.1212G>A on transcript NM_007373.4 (MANE Select); coding-DNA position 1212, G replaced by A.
Protein change: p.Met404Ile; replaces methionine 404 with isoleucine.
Molecular consequence: missense variant. On other transcripts: non-coding transcript variant (1).
Genome position (GRCh38, 1-based): chr10:111,007,581, G>A. VCF-style: chr10-111007581-G-A. GRCh37 (hg19) VCF-style: chr10-112767339-G-A.
Other names: c.1074G>A, p.Met358Ile (NM_001269039.3, NM_001441186.1); c.1212G>A, p.Met404Ile (NM_001324336.2, NM_001324337.2, NM_001441184.1 and 2 more transcripts); c.543G>A, p.Met181Ile (NM_001441188.1); c.129G>A, p.Met43Ile (NM_001441189.1, NM_001441190.1, NM_001441191.1); short protein forms M181I, M43I, M358I, M404I.
Identifiers: ClinVar variation 4745401 (VCV004745401.1).
Genomic context (GRCh38, chr10:111,007,581, plus strand): 5'-TCTTTGCCAGGACAATCAGTTAACATCACTTCCCTTGGATTTTGGAACTTGGACCAGTAT[G>A]GTAGAATTGAATTTAGCCACTAATCAGCTCACAAAGATCCCTGAGGATGTGTCTGGTCTC-3'
Protein context (NP_031399.2, residues 394-414): LPLDFGTWTS[Met404Ile]VELNLATNQL